The following is an entry in ClinVar:

ClinVar aggregate classification (germline): Uncertain significance (1 of 4 stars; one submission).

Allele frequency attached by ClinVar (database versions not stated): ExAC 0.00001; gnomAD exomes 0.00001; TOPMed 0.00003; gnomAD 0.00006; ESP Exome Variant Server 0.00008.
gnomAD v4.1: 12 of 1,614,066 alleles (0.00074%); highest among the groups gnomAD compares: African/African-American, 0.012%; no homozygotes.

Submission:

Labcorp Genetics (formerly Invitae), Labcorp
Classification: Uncertain significance. Last evaluated: 2021-12-20. Review status: criteria provided, single submitter. Criteria: Invitae Variant Classification Sherloc (09022015). Collection method: clinical testing. Allele origin: germline.
Comment: Advanced modeling of protein sequence and biophysical properties (such as structural, functional, and spatial information, amino acid conservation, physicochemical variation, residue mobility, and thermodynamic stability) performed at Invitae indicates that this missense variant is expected to disrupt ACO2 protein function. In summary, the available evidence is currently insufficient to determine the role of this variant in disease. Therefore, it has been classified as a Variant of Uncertain Significance. This variant has not been reported in the literature in individuals affected with ACO2-related conditions. This sequence change replaces alanine, which is neutral and non-polar, with threonine, which is neutral and polar, at codon 425 of the ACO2 protein (p.Ala425Thr). This variant is present in population databases (rs147361669, gnomAD 0.01%).

NM_001098.3(ACO2):c.1273G>A (p.Ala425Thr)

Gene: ACO2 (aconitase 2; plus strand). Cytogenetic location: 22q13.2.
Variant type: single nucleotide variant.
Coding change: c.1273G>A on transcript NM_001098.3 (MANE Select); coding-DNA position 1273, G replaced by A.
Protein change: p.Ala425Thr; replaces alanine 425 with threonine.
Molecular consequence: missense variant.
Genome position (GRCh38, 1-based): chr22:41,522,964, G>A. VCF-style: chr22-41522964-G-A. GRCh37 (hg19) VCF-style: chr22-41918968-G-A.
Other names: short protein forms A425T.
Identifiers: ClinVar variation 1900891 (VCV001900891.5), dbSNP rs147361669, ClinGen allele CA10257588.